The following is an entry in ClinVar:

ClinVar aggregate classification (germline): Uncertain significance (1 of 4 stars; one submission).

Submission:

GeneDx
Classification: Uncertain significance. Last evaluated: 2023-10-12. Review status: criteria provided, single submitter. Criteria: GeneDx Variant Classification Process June 2021. Collection method: clinical testing. Allele origin: germline. Affected: yes.
Comment: Not observed at significant frequency in large population cohorts (gnomAD); In silico analysis supports that this missense variant does not alter protein structure/function; Has not been previously published as pathogenic or benign to our knowledge

NM_014233.4(UBTF):c.1367A>T (p.Tyr456Phe)

Genes: ATXN7L3-AS1 (ATXN7L3 antisense RNA 1; plus strand), UBTF (upstream binding transcription factor; minus strand), LOC121587595 (Sharpr-MPRA regulatory region 7848; plus strand). Cytogenetic location: 17q21.31.
Variant type: single nucleotide variant.
Coding change: c.1367A>T on transcript NM_014233.4 (MANE Select); coding-DNA position 1367, A replaced by T.
Protein change: p.Tyr456Phe; replaces tyrosine 456 with phenylalanine.
Molecular consequence: missense variant. On other transcripts: non-coding transcript variant (1).
Genome position (GRCh38, 1-based): chr17:44,210,466, T>A on the plus strand (A>T on the coding strand, the complement: UBTF is on the minus strand). VCF-style: chr17-44210466-T-A. GRCh37 (hg19) VCF-style: chr17-42287834-T-A.
Other names: c.1256A>T, p.Tyr419Phe (NM_001076683.2, NM_001076684.3); short protein forms Y419F, Y456F.
Identifiers: ClinVar variation 3366102 (VCV003366102.1).
Genomic context (GRCh38, chr17:44,210,466, plus strand): 5'-TCGCGCTCCCCGCCGGGCTTCCTCTCCGACTGAGCCTTGAGCGCCGCCTCTCGGGCCTTG[T>A]ACTTGGCCTGCGGGGATGGCCCGGGCGTCAGCCTTCCACCCACCCCCAGGGGGCGCGCGC-3'
Protein context (NP_055048.1, residues 446-466): NDLSEKKKAK[Tyr456Phe]KAREAALKAQ